The following is an entry in ClinVar:

NM_006941.4(SOX10):c.1129C>T (p.Gln377Ter)

Genes: POLR2F (RNA polymerase II, I and III subunit F; plus strand), SOX10 (SRY-box transcription factor 10; minus strand). Cytogenetic location: 22q13.1.
Variant type: single nucleotide variant.
Coding change: c.1129C>T on transcript NM_006941.4 (MANE Select); coding-DNA position 1129, C replaced by T.
Protein change: p.Gln377Ter; replaces glutamine 377 with a stop codon.
Molecular consequence: nonsense. On other transcripts: intron variant (3).
Genome position (GRCh38, 1-based): chr22:37,973,767, G>A on the plus strand (C>T on the coding strand, the complement: SOX10 is on the minus strand). VCF-style: chr22-37973767-G-A. GRCh37 (hg19) VCF-style: chr22-38369774-G-A.
Other names: c.*38+1457G>A (NM_001363825.1); c.293+6597G>A (NM_001301130.2, NM_001301131.2); short protein forms Q377*.
Identifiers: ClinVar variation 7402 (VCV000007402.5), dbSNP rs74315520, ClinGen allele CA118769.

ClinVar aggregate classification (germline): Pathogenic. Review status: criteria provided, multiple submitters, no conflicts (2 of 4 stars). 4 submissions from 3 submitters: Pathogenic (2). 2 of the submissions do not count toward it. Last evaluated 2025-05-12.

Conditions:
Waardenburg syndrome type 2E, with neurologic involvement. Identifiers: MedGen CN069053.
Waardenburg syndrome type 4C (WS4C). Also called: WAARDENBURG SYNDROME WITH HIRSCHSPRUNG DISEASE, TYPE 4C. Identifiers: Orphanet 897, MedGen C2750452, MONDO:0013202, OMIM 613266.

Submissions (4):

GeneDx
Classification: Pathogenic. Last evaluated: 2025-05-12. Review status: criteria provided, single submitter. Criteria: GeneDx Variant Classification Process June 2021. Collection method: clinical testing. Allele origin: germline. Affected: yes.
Comment: Reported in two siblings with Waardenburg spectrum disorder and additional neurological abnormalities in the published literature (PMID: 10077527); Published functional studies demonstrate a damaging effect on SOX10 function in certain transcriptional pathways and mouse models show an abnormal phenotype compared to wildtype (PMID: 14523991, 16921166, 29361054); Nonsense variant predicted to result in protein truncation, as the last 90 amino acids are lost, and other loss-of-function variants have been reported downstream; Not observed at significant frequency in large population cohorts (gnomAD); This variant is associated with the following publications: (PMID: 19764030, 14523991, 16921166, 29361054, 22963253, 10077527)

Dasa
Classification: Pathogenic. Last evaluated: 2025-03-28. Review status: criteria provided, single submitter. Criteria: DASA Assertion Criteria. Collection method: clinical testing. Allele origin: germline.
Comment: NM_006941.4(SOX10):c.1129C>T (p.Gln377*) introduces a premature termination codon predicted to result in loss of normal protein function. Loss-of-function is an established mechanism of disease for this gene. De novo occurrence has been reported in an individual with related phenotype. This variant has been recurrently observed in individuals with related phenotype (PMID: 10077527; PMID: 22963253; PMID: 11546831). The variant is present at low frequency in population datasets. Based on the available data, this variant is classified as pathogenic.

OMIM
Classification: Pathogenic for WAARDENBURG SYNDROME, TYPE 4C. Last evaluated: 1999-03-01. Review status: no assertion criteria provided. Collection method: literature only. Allele origin: germline. Not counted in ClinVar's aggregate classification.

OMIM
Classification: Pathogenic for WAARDENBURG SYNDROME, TYPE 2E, WITH NEUROLOGIC INVOLVEMENT. Last evaluated: 1999-03-01. Review status: no assertion criteria provided. Collection method: literature only. Allele origin: germline. Not counted in ClinVar's aggregate classification.

Literature cited by the submitters: PubMed 10077527 (cited by Dasa and OMIM); PubMed 22963253 (cited by Dasa); PubMed 11546831 (cited by Dasa).